The following is an entry in ClinVar:

NM_004360.5(CDH1):c.2235G>A (p.Glu745=)

Gene: CDH1 (cadherin 1; plus strand). Cytogenetic location: 16q22.1.
Variant type: single nucleotide variant.
Coding change: c.2235G>A on transcript NM_004360.5 (MANE Select); coding-DNA position 2235, G replaced by A.
Protein change: p.Glu745=; no amino-acid change (glutamic acid 745 retained).
Molecular consequence: synonymous variant.
Genome position (GRCh38, 1-based): chr16:68,828,244, G>A. VCF-style: chr16-68828244-G-A. GRCh37 (hg19) VCF-style: chr16-68862147-G-A.
Other names: c.2235G>A (LRG_301t1); c.2052G>A, p.Glu684= (NM_001317184.2); c.687G>A, p.Glu229= (NM_001317185.2); c.270G>A, p.Glu90= (NM_001317186.2).
Identifiers: ClinVar variation 483217 (VCV000483217.17), dbSNP rs1267384637, ClinGen allele CA496157164.

ClinVar aggregate classification (germline): Benign/Likely benign. Review status: criteria provided, multiple submitters, no conflicts (2 of 4 stars). 4 submissions from 4 submitters: Benign (1); Likely benign (3). Last evaluated 2024-11-22.

Conditions:
Hereditary cancer-predisposing syndrome. Also called: Hereditary neoplastic syndrome; Neoplastic Syndromes, Hereditary; Tumor predisposition; Hereditary Cancer Syndrome. Identifiers: Orphanet 140162, MedGen C0027672, MeSH D009386, MONDO:0015356.
Hereditary diffuse gastric adenocarcinoma (HDGC). Also called: DIFFUSE GASTRIC AND LOBULAR BREAST CANCER SYNDROME. Identifiers: Orphanet 26106, MedGen C1708349, MONDO:0007648, OMIM 137215.

Allele frequency attached by ClinVar (database versions not stated): gnomAD 0.00001; TOPMed 0.00001.
gnomAD v4.1: 1 of 1,613,988 alleles (0.000062%); highest among the groups gnomAD compares: Non-Finnish European, 0.000085%; no homozygotes.

Submissions (4):

Labcorp Genetics (formerly Invitae), Labcorp
Classification: Likely benign for Hereditary diffuse gastric adenocarcinoma. Last evaluated: 2024-11-22. Review status: criteria provided, single submitter. Criteria: Invitae Variant Classification Sherloc (09022015). Collection method: clinical testing. Allele origin: germline.

Myriad Genetics, Inc.
Classification: Benign for Hereditary diffuse gastric adenocarcinoma. Last evaluated: 2024-09-23. Review status: criteria provided, single submitter. Criteria: Myriad Autosomal Dominant, Autosomal Recessive and X-Linked Classification Criteria (2023). Collection method: clinical testing. Allele origin: unknown.
Comment: This variant is considered benign. This variant is a silent/synonymous amino acid change and it is not expected to impact splicing.

Color Diagnostics, LLC DBA Color Health
Classification: Likely benign for Hereditary cancer-predisposing syndrome. Last evaluated: 2016-11-06. Review status: criteria provided, single submitter. Criteria: ACMG Guidelines, 2015. Collection method: clinical testing. Allele origin: germline.

Ambry Genetics
Classification: Likely benign for Hereditary cancer-predisposing syndrome. Last evaluated: 2016-06-07. Review status: criteria provided, single submitter. Criteria: Ambry Variant Classification Scheme 2023. Collection method: clinical testing. Allele origin: germline.